The following is an entry in ClinVar:

NM_000651.6(CR1):c.6283C>A (p.His2095Asn)

Gene: CR1 (complement C3b/C4b receptor 1 (Knops blood group); plus strand). Cytogenetic location: 1q32.2.
Variant type: single nucleotide variant.
Coding change: c.6283C>A on transcript NM_000651.6 (MANE Select); coding-DNA position 6283, C replaced by A.
Protein change: p.His2095Asn; replaces histidine 2095 with asparagine.
Molecular consequence: missense variant.
Genome position (GRCh38, 1-based): chr1:207,609,676, C>A. VCF-style: chr1-207609676-C-A. GRCh37 (hg19) VCF-style: chr1-207783021-C-A.
Other names: c.4933C>A, p.His1645Asn (NM_000573.4); short protein forms H1645N, H2095N.
Identifiers: ClinVar variation 812547 (VCV000812547.5), dbSNP rs1571590802, ClinGen allele CA344544648.
Genomic context (GRCh38, chr1:207,609,676, plus strand): 5'-ATGGTAGGGTCCCACACTGTGCAGTGCCAGACCAATGGCAGATGGGGGCCCAAGCTGCCA[C>A]ACTGCTCCAGGGGTGAGTGTGACCCATCAAGACTTTGCTGGGTGTGAGGGTACGTATAGA-3'
Protein context (NP_000642.3, residues 2085-2105): TNGRWGPKLP[His2095Asn]CSRVCQPPPE

ClinVar aggregate classification (germline): Uncertain significance (1 of 4 stars; one submission).

Conditions:
Polyarticular arthritis. Also called: polyarthritis. Identifiers: MedGen C0162323, MONDO:0024280, HP:0005764.
Anxiety. Also called: Anxiety-related personality traits. Identifiers: MedGen C0003467, MONDO:0011918, OMIM 607834, HP:0000739.
Hypothyroidism. Identifiers: MedGen C0020676, MONDO:0005420, HP:0000821.

Submission:

Diagnostics Services (NGS), CSIR - Centre For Cellular And Molecular Biology
Classification: Uncertain significance for Polyarticular arthritis; Anxiety; Hypothyroidism. Last evaluated: 2020-01-20. Review status: criteria provided, single submitter. Criteria: ACMG Guidelines, 2015. Collection method: clinical testing. Allele origin: unknown. Affected: yes. Observed: 1 heterozygote.
Comment: Variations/functional polymorphisms in CR1 (MIM*120620) gene are associated with systemic lupus erythematosus (MIM#152700) and CR1 deficiency [Ohi et al., Nephron 1986]. Association of CR1 deficiency with other autoimmune syndromes have been reported as well. The c.6283C>A variant is not present in publicly available databases like 1000 Genomes, Exome Variant Server (EVS), Exome Aggregation Consortium (ExAC), Genome Aggregation Database (gnomAD) and dbSNP. The variant is also not present in our in-house exome database. The variant was not earlier reported in any affected individuals to OMIM, ClinVar and HGMD (Human Genome Mutation database) databases. Prediction from different in-silico pathogenicity prediction tools like SIFT, Polyphen2, MutationTaster2, CADD etc. are contradictory. Due to lack of enough evidence for this variant, it has been classified as uncertain significance.